The following is an entry in ClinVar:

ClinVar aggregate classification (germline): Likely benign. Review status: criteria provided, multiple submitters, no conflicts (2 of 4 stars). 3 submissions from 3 submitters: Likely benign (2). 1 of the submissions does not count toward it. Last evaluated 2025-12-28.

Conditions:
UNC13D-related disorder. Also called: UNC13D-related condition.
Familial hemophagocytic lymphohistiocytosis 3 (FHL3). Also called: UNC13D-Related Familial Hemophagocytic Lymphohistiocytosis (UNC13D-fHLH). Identifiers: Orphanet 540, MedGen C1837174, MONDO:0012146, OMIM 608898.

Allele frequency attached by ClinVar (database versions not stated): ESP Exome Variant Server 0.00015; TOPMed 0.00016.
gnomAD v4.1: 53 of 1,613,720 alleles (0.0033%); highest among the groups gnomAD compares: African/African-American, 0.049%; no homozygotes.

Submissions (3):

Labcorp Genetics (formerly Invitae), Labcorp
Classification: Likely benign for Familial hemophagocytic lymphohistiocytosis 3. Last evaluated: 2025-12-28. Review status: criteria provided, single submitter. Criteria: Invitae Variant Classification Sherloc (09022015). Collection method: clinical testing. Allele origin: germline.

Blueprint Genetics
Classification: Likely benign. Last evaluated: 2023-11-06. Review status: criteria provided, single submitter. Criteria: ACMG Guidelines, 2015. Collection method: clinical testing. Allele origin: germline.

PreventionGenetics, part of Exact Sciences
Classification: Likely benign for UNC13D-related condition. Last evaluated: 2023-12-04. Review status: no assertion criteria provided. Collection method: clinical testing. Allele origin: germline. Not counted in ClinVar's aggregate classification.
Comment: This variant is classified as likely benign based on ACMG/AMP sequence variant interpretation guidelines (Richards et al. 2015 PMID: 25741868, with internal and published modifications).

NM_199242.3(UNC13D):c.2046C>T (p.Arg682=)

Gene: UNC13D (unc-13 homolog D; minus strand). Cytogenetic location: 17q25.1.
Variant type: single nucleotide variant.
Coding change: c.2046C>T on transcript NM_199242.3 (MANE Select); coding-DNA position 2046, C replaced by T.
Protein change: p.Arg682=; no amino-acid change (arginine 682 retained).
Molecular consequence: synonymous variant.
Genome position (GRCh38, 1-based): chr17:75,834,663, G>A on the plus strand (C>T on the coding strand, the complement: UNC13D is on the minus strand). VCF-style: chr17-75834663-G-A. GRCh37 (hg19) VCF-style: chr17-73830744-G-A.
Other names: c.2046C>T (NM_199242.2).
Identifiers: ClinVar variation 1122058 (VCV001122058.12), dbSNP rs139837456, ClinGen allele CA8772686.